The following is an entry in ClinVar:

NM_000204.5(CFI):c.1324A>C (p.Lys442Gln)

Gene: CFI (complement factor I; minus strand). Cytogenetic location: 4q25.
Variant type: single nucleotide variant.
Coding change: c.1324A>C on transcript NM_000204.5 (MANE Select); coding-DNA position 1324, A replaced by C.
Protein change: p.Lys442Gln; replaces lysine 442 with glutamine.
Molecular consequence: missense variant. On other transcripts: non-coding transcript variant (2).
Genome position (GRCh38, 1-based): chr4:109,746,327, T>G on the plus strand (A>C on the coding strand, the complement: CFI is on the minus strand). VCF-style: chr4-109746327-T-G. GRCh37 (hg19) VCF-style: chr4-110667483-T-G.
Other names: c.1348A>C, p.Lys450Gln (NM_001318057.2, NM_001375278.1, NM_001440988.1); c.1303A>C, p.Lys435Gln (NM_001331035.2, NM_001375280.1, NM_001375282.1 and 1 more transcripts); c.1324A>C, p.Lys442Gln (NM_001375279.1, NM_001375281.1, NM_001440989.1); c.1267A>C, p.Lys423Gln (NM_001375283.1); c.715A>C, p.Lys239Gln (NM_001375284.1); c.1345A>C, p.Lys449Gln (NM_001440985.1, NM_001440986.1); short protein forms K239Q, K423Q, K435Q, K442Q, K449Q, K450Q.
Identifiers: ClinVar variation 4280509 (VCV004280509.1).

ClinVar aggregate classification (germline): Uncertain significance (1 of 4 stars; one submission).

Conditions:
CFI-related disorder. Also called: CFI-related condition; CFI-related disorders. Identifiers: MedGen CN239325.

gnomAD v4.1: 4 of 1,614,096 alleles (0.00025%); highest among the groups gnomAD compares: Non-Finnish European, 0.00034%; no homozygotes.

Submission:

Genomenon, Inc
Classification: Uncertain significance for CFI-related disorder. Last evaluated: 2025-09-26. Review status: criteria provided, single submitter. Criteria: Genomenon Sequence Variant Interpretation Standards - Updated. Collection method: curation. Allele origin: germline. Affected: no.
Comment: CFI p.Lys442Gln (c.1324A>C) is a missense variant that changes the amino acid at residue 442 from Lysine to Glutamine. To our knowledge, this variant has not been reported in patients affected with CFI-related disorders in the published literature. Functional studies have been reported; however, the significance of the findings remain unclear (PMID:38852887). It is absent or not present at a significant frequency in gnomAD. In conclusion, we classify CFI p.Lys442Gln (c.1324A>C) as a variant of unknown significance.

Literature cited by the submitters: PubMed 38852887.